The following is an entry in ClinVar:

ClinVar aggregate classification (germline): Uncertain significance (1 of 4 stars; one submission).

Conditions:
Retinitis pigmentosa 71 (RP71). Identifiers: Orphanet 791, MedGen C4225342, MONDO:0014618, OMIM 616394.
Short-rib thoracic dysplasia 10 with or without polydactyly (SRTD10). Identifiers: Orphanet 474, MedGen C3810175, MONDO:0014284, OMIM 615630.

Allele frequency attached by ClinVar (database versions not stated): gnomAD exomes below 0.00001; ESP Exome Variant Server 0.00008; TOPMed 0.00003; gnomAD 0.00001.
gnomAD v4.1: 5 of 1,610,248 alleles (0.00031%); highest among the groups gnomAD compares: African/African-American, 0.0013%; no homozygotes.

Submission:

Labcorp Genetics (formerly Invitae), Labcorp
Classification: Uncertain significance for Retinitis pigmentosa 71; Short-rib thoracic dysplasia 10 with or without polydactyly. Last evaluated: 2019-10-25. Review status: criteria provided, single submitter. Criteria: Invitae Variant Classification Sherloc (09022015). Collection method: clinical testing. Allele origin: germline.
Comment: In summary, the available evidence is currently insufficient to determine the role of this variant in disease. Therefore, it has been classified as a Variant of Uncertain Significance. Algorithms developed to predict the effect of missense changes on protein structure and function (SIFT, PolyPhen-2, Align-GVGD) all suggest that this variant is likely to be tolerated, but these predictions have not been confirmed by published functional studies and their clinical significance is uncertain. This variant has not been reported in the literature in individuals with IFT172-related conditions. This variant is not present in population databases (ExAC no frequency). This sequence change replaces glutamic acid with lysine at codon 1641 of the IFT172 protein (p.Glu1641Lys). The glutamic acid residue is weakly conserved and there is a small physicochemical difference between glutamic acid and lysine.

NM_015662.3(IFT172):c.4921G>A (p.Glu1641Lys)

Genes: KRTCAP3 (keratinocyte associated protein 3; plus strand), IFT172 (intraflagellar transport 172; minus strand). Cytogenetic location: 2p23.3.
Variant type: single nucleotide variant.
Coding change: c.4921G>A on transcript NM_015662.3 (MANE Select); coding-DNA position 4921, G replaced by A.
Protein change: p.Glu1641Lys; replaces glutamic acid 1641 with lysine.
Molecular consequence: missense variant. On other transcripts: intron variant (1).
Genome position (GRCh38, 1-based): chr2:27,445,443, C>T on the plus strand (G>A on the coding strand, the complement: IFT172 is on the minus strand). VCF-style: chr2-27445443-C-T. GRCh37 (hg19) VCF-style: chr2-27668310-C-T.
Other names: c.4855G>A, p.Glu1619Lys (NM_001410739.1); c.*6-858C>T (NM_001168364.2); short protein forms E1641K, E1619K.
Identifiers: ClinVar variation 959698 (VCV000959698.11), dbSNP rs370504937, ClinGen allele CA44515739.
Genomic context (GRCh38, chr2:27,445,443, plus strand): 5'-CCTGCTCCAGCCGCTGGTCCATGGAGACTGTAAGCACCCAGTCTCGAACCTCTTCTCTCT[C>T]AGCCTCCTGGAAAGGACAAGAAGGGAGTGGTAGCTTCACACAGGGCAGGGCAGGACAAGT-3'
Protein context (NP_056477.1, residues 1631-1651): LPAKQHVPEA[Glu1641Lys]REEVRDWVLT